The following is an entry in ClinVar:

ClinVar aggregate classification (germline): Uncertain significance (1 of 4 stars; one submission).

Conditions:
Inborn genetic diseases. Identifiers: MedGen C0950123, MeSH D030342.

Allele frequency attached by ClinVar (database versions not stated): gnomAD exomes below 0.00001.
gnomAD v4.1: 2 of 1,613,088 alleles (0.00012%); highest among the groups gnomAD compares: South Asian, 0.0011%; no homozygotes.

Submission:

Ambry Genetics
Classification: Uncertain significance for Inborn genetic diseases. Last evaluated: 2023-05-05. Review status: criteria provided, single submitter. Criteria: Ambry Variant Classification Scheme 2023. Collection method: clinical testing. Allele origin: germline.
Comment: The p.S2297G variant (also known as c.6889A>G), located in coding exon 47 of the LRRK2 gene, results from an A to G substitution at nucleotide position 6889. The serine at codon 2297 is replaced by glycine, an amino acid with similar properties. This amino acid position is conserved. In addition, the in silico prediction for this alteration is inconclusive. Since supporting evidence is limited at this time, the clinical significance of this alteration remains unclear.

NM_198578.4(LRRK2):c.6889A>G (p.Ser2297Gly)

Gene: LRRK2 (leucine rich repeat kinase 2; plus strand). Cytogenetic location: 12q12.
Variant type: single nucleotide variant.
Coding change: c.6889A>G on transcript NM_198578.4 (MANE Select); coding-DNA position 6889, A replaced by G.
Protein change: p.Ser2297Gly; replaces serine 2297 with glycine.
Molecular consequence: missense variant.
Genome position (GRCh38, 1-based): chr12:40,359,305, A>G. VCF-style: chr12-40359305-A-G. GRCh37 (hg19) VCF-style: chr12-40753107-A-G.
Other names: short protein forms S2297G.
Identifiers: ClinVar variation 2567388 (VCV002567388.2), dbSNP rs2137028788, ClinGen allele CA384411486.